The following is an entry in ClinVar:

ClinVar aggregate classification (germline): Likely pathogenic (1 of 4 stars; one submission).

Conditions:
Atrioventricular septal defect and common atrioventricular junction. Also called: Atrioventricular septal defect 3. Identifiers: MedGen C0344783.

Submission:

Centre for Mendelian Genomics, University Medical Centre Ljubljana
Classification: Likely pathogenic for Atrioventricular septal defect. Last evaluated: 2016-01-01. Review status: criteria provided, single submitter. Criteria: ACMG Guidelines, 2015. Collection method: clinical testing. Allele origin: unknown. Affected: yes.
Comment: This variant was classified as: Likely pathogenic. The following ACMG criteria were applied in classifying this variant: PM1,PM2,PM4.

NM_000165.5(GJA1):c.396_398del (p.Ile132_Lys133delinsMet)

Gene: GJA1 (gap junction protein alpha 1; plus strand). Cytogenetic location: 6q22.31.
Variant type: Deletion.
Coding change: c.396_398del on transcript NM_000165.5 (MANE Select); coding-DNA positions 396 to 398, 3 bases deleted (AAA; older notation c.396_398delAAA).
Protein change: p.Ile132_Lys133delinsMet.
Molecular consequence: inframe indel.
Genome position (GRCh38, 1-based): chr6:121,447,243-121,447,245, AAA deleted. VCF-style (leftmost placement, unchanged base first): chr6-121447242-TAAA-T. GRCh37 (hg19) VCF-style: chr6-121768388-TAAA-T.
Identifiers: ClinVar variation 931993 (VCV000931993.3), dbSNP rs1773903559, ClinGen allele CA1139659790.